The following is an entry in ClinVar:

ClinVar aggregate classification (germline): Uncertain significance (1 of 4 stars; one submission).

Submission:

Labcorp Genetics (formerly Invitae), Labcorp
Classification: Uncertain significance. Last evaluated: 2022-12-12. Review status: criteria provided, single submitter. Criteria: Invitae Variant Classification Sherloc (09022015). Collection method: clinical testing. Allele origin: germline.
Comment: In summary, the available evidence is currently insufficient to determine the role of this variant in disease. Therefore, it has been classified as a Variant of Uncertain Significance. Variants that disrupt the consensus splice site are a relatively common cause of aberrant splicing (PMID: 17576681, 9536098). Algorithms developed to predict the effect of sequence changes on RNA splicing suggest that this variant may disrupt the consensus splice site. Algorithms developed to predict the effect of missense changes on protein structure and function (SIFT, PolyPhen-2, Align-GVGD) all suggest that this variant is likely to be disruptive. This variant has not been reported in the literature in individuals affected with SGMS2-related conditions. This variant is not present in population databases (gnomAD no frequency). This sequence change replaces lysine, which is basic and polar, with asparagine, which is neutral and polar, at codon 191 of the SGMS2 protein (p.Lys191Asn). This variant also falls at the last nucleotide of exon 3, which is part of the consensus splice site for this exon.

Literature cited by the submitters: PubMed 17576681; PubMed 9536098.

NM_001375905.1(SGMS2):c.573G>T (p.Lys191Asn)

Genes: CYP2U1-AS1 (CYP2U1 and SGMS2 antisense RNA 1; minus strand), SGMS2 (sphingomyelin synthase 2; plus strand). Cytogenetic location: 4q25.
Variant type: single nucleotide variant.
Coding change: c.573G>T on transcript NM_001375905.1 (MANE Select); coding-DNA position 573, G replaced by T.
Protein change: p.Lys191Asn; replaces lysine 191 with asparagine.
Molecular consequence: missense variant.
Genome position (GRCh38, 1-based): chr4:107,899,692, G>T. VCF-style: chr4-107899692-G-T. GRCh37 (hg19) VCF-style: chr4-108820848-G-T.
Other names: c.573G>T, p.Lys191Asn (NM_001136257.2, NM_001136258.2, NM_001375906.1 and 4 more transcripts); c.54G>T, p.Lys18Asn (NM_001375911.1); short protein forms K18N, K191N.
Identifiers: ClinVar variation 2820482 (VCV002820482.3), dbSNP rs776293237, ClinGen allele CA357826346.